The following is an entry in ClinVar:

ClinVar aggregate classification (germline): Likely benign. Review status: criteria provided, single submitter (1 of 4 stars). 2 submissions from 2 submitters: Likely benign (1). 1 of the submissions does not count toward it. Last evaluated 2025-04-01.

Conditions:
TRIO-related disorder. Also called: TRIO-related condition; TRIO-related disorders.

Allele frequency attached by ClinVar (database versions not stated): gnomAD 0.00004; TOPMed 0.00005; ExAC 0.00015; 1000 Genomes Project 30x 0.00016; 1000 Genomes Project 0.00020.
gnomAD v4.1: 131 of 1,613,718 alleles (0.0081%); highest among the groups gnomAD compares: Non-Finnish European, 0.0093%; 1 homozygote.

Submissions (2):

CeGaT Center for Human Genetics Tuebingen
Classification: Likely benign. Last evaluated: 2025-04-01. Review status: criteria provided, single submitter. Criteria: CeGaT Center For Human Genetics Tuebingen Variant Classification Criteria Version 2. Collection method: clinical testing. Allele origin: germline. Affected: yes. Observed: 1 variant allele.
Comment: TRIO: BP4, BP7

PreventionGenetics, part of Exact Sciences
Classification: Likely benign for TRIO-related condition. Last evaluated: 2022-03-16. Review status: no assertion criteria provided. Collection method: clinical testing. Allele origin: germline. Not counted in ClinVar's aggregate classification.
Comment: This variant is classified as likely benign based on ACMG/AMP sequence variant interpretation guidelines (Richards et al. 2015 PMID: 25741868, with internal and published modifications).

NM_007118.4(TRIO):c.8244C>T (p.Gly2748=)

Genes: TRIO (trio Rho guanine nucleotide exchange factor; plus strand), LOC126807323 (CDK7 strongly-dependent group 2 enhancer GRCh37_chr5:14497716-14498915; plus strand). Cytogenetic location: 5p15.2.
Variant type: single nucleotide variant.
Coding change: c.8244C>T on transcript NM_007118.4 (MANE Select); coding-DNA position 8244, C replaced by T.
Protein change: p.Gly2748=; no amino-acid change (glycine 2748 retained).
Molecular consequence: synonymous variant. On other transcripts: non-coding transcript variant (1).
Genome position (GRCh38, 1-based): chr5:14,498,552, C>T. VCF-style: chr5-14498552-C-T. GRCh37 (hg19) VCF-style: chr5-14498661-C-T.
Identifiers: ClinVar variation 3032956 (VCV003032956.9), dbSNP rs571477045, ClinGen allele CA3207803.